The following is an entry in ClinVar:

ClinVar aggregate classification (germline): Uncertain significance (1 of 4 stars; one submission).

Submission:

Labcorp Genetics (formerly Invitae), Labcorp
Classification: Uncertain significance. Last evaluated: 2024-05-21. Review status: criteria provided, single submitter. Criteria: Invitae Variant Classification Sherloc (09022015). Collection method: clinical testing. Allele origin: germline.
Comment: This sequence change replaces proline, which is neutral and non-polar, with alanine, which is neutral and non-polar, at codon 300 of the FN1 protein (p.Pro300Ala). This variant is not present in population databases (gnomAD no frequency). This variant has not been reported in the literature in individuals affected with FN1-related conditions. ClinVar contains an entry for this variant (Variation ID: 2134814). Advanced modeling of protein sequence and biophysical properties (such as structural, functional, and spatial information, amino acid conservation, physicochemical variation, residue mobility, and thermodynamic stability) performed at Invitae indicates that this missense variant is not expected to disrupt FN1 protein function with a negative predictive value of 80%. In summary, the available evidence is currently insufficient to determine the role of this variant in disease. Therefore, it has been classified as a Variant of Uncertain Significance.

NM_212482.4(FN1):c.898C>G (p.Pro300Ala)

Gene: FN1 (fibronectin 1; minus strand). Cytogenetic location: 2q35.
Variant type: single nucleotide variant.
Coding change: c.898C>G on transcript NM_212482.4 (MANE Select); coding-DNA position 898, C replaced by G.
Protein change: p.Pro300Ala; replaces proline 300 with alanine.
Molecular consequence: missense variant.
Genome position (GRCh38, 1-based): chr2:215,425,232, G>C on the plus strand (C>G on the coding strand, the complement: FN1 is on the minus strand). VCF-style: chr2-215425232-G-C. GRCh37 (hg19) VCF-style: chr2-216289955-G-C.
Other names: c.898C>G, p.Pro300Ala (NM_001306129.2, NM_001306130.2, NM_001306131.2 and 14 more transcripts); short protein forms P300A.
Identifiers: ClinVar variation 2134814 (VCV002134814.4), dbSNP rs2470404174, ClinGen allele CA350472362.